The following is an entry in ClinVar:

NM_004447.6(EPS8):c.1680A>G (p.Ile560Met)

Gene: EPS8 (EGFR pathway substrate 8, signaling adaptor; minus strand). Cytogenetic location: 12p12.3.
Variant type: single nucleotide variant.
Coding change: c.1680A>G on transcript NM_004447.6 (MANE Select); coding-DNA position 1680, A replaced by G.
Protein change: p.Ile560Met; replaces isoleucine 560 with methionine.
Molecular consequence: missense variant. On other transcripts: non-coding transcript variant (3).
Genome position (GRCh38, 1-based): chr12:15,640,844, T>C on the plus strand (A>G on the coding strand, the complement: EPS8 is on the minus strand). VCF-style: chr12-15640844-T-C. GRCh37 (hg19) VCF-style: chr12-15793778-T-C.
Other names: c.1680A>G, p.Ile560Met (NM_001413831.1, NM_001413832.1, NM_001413833.1 and 1 more transcripts); c.1440A>G, p.Ile480Met (NM_001413835.1, NM_001413836.1); c.1263A>G, p.Ile421Met (NM_001413837.1); c.900A>G, p.Ile300Met (NM_001413838.1); short protein forms I300M, I421M, I480M, I560M.
Identifiers: ClinVar variation 3900905 (VCV003900905.1).

ClinVar aggregate classification (germline): Uncertain significance (1 of 4 stars; one submission).

Submission:

GeneDx
Classification: Uncertain significance. Last evaluated: 2024-12-02. Review status: criteria provided, single submitter. Criteria: GeneDx Variant Classification Process June 2021. Collection method: clinical testing. Allele origin: germline. Affected: yes.
Comment: Not observed at significant frequency in large population cohorts (gnomAD); In silico analysis indicates that this missense variant does not alter protein structure/function; Has not been previously published as pathogenic or benign to our knowledge